The following is an entry in ClinVar:

NM_080680.3(COL11A2):c.1557+5C>T

Gene: COL11A2 (collagen type XI alpha 2 chain; minus strand). Cytogenetic location: 6p21.32.
Variant type: single nucleotide variant.
Coding change: c.1557+5C>T on transcript NM_080680.3 (MANE Select); 5 bases into the intron after coding-DNA position 1557, C replaced by T.
Molecular consequence: intron variant.
Genome position (GRCh38, 1-based): chr6:33,179,226, G>A on the plus strand (C>T on the coding strand, the complement: COL11A2 is on the minus strand). VCF-style: chr6-33179226-G-A. GRCh37 (hg19) VCF-style: chr6-33147003-G-A.
Other names: c.1236+5C>T (NM_080679.3); c.1299+5C>T (NM_080681.3).
Identifiers: ClinVar variation 228529 (VCV000228529.6), dbSNP rs771087374, ClinGen allele CA3751320.
Genomic context (GRCh38, chr6:33,179,226, plus strand): 5'-GGAGGGGAGTGAGGGAGACTGAGCTGGTGAACAGATATGGGGGTGCAGTGGAGGAAAGTG[G>A]TCACCTGAGGTCCTAAGTCTCCAGACTCTCCTTTCAGGCCAGGGCTCCCAGGTTGGCCCT-3'

ClinVar aggregate classification (germline): Uncertain significance. Review status: criteria provided, multiple submitters, no conflicts (2 of 4 stars). 3 submissions from 3 submitters: Uncertain significance (3). Last evaluated 2026-01-02.

Allele frequency attached by ClinVar (database versions not stated): gnomAD exomes below 0.00001; TOPMed below 0.00001; ExAC 0.00001.

Submissions (3):

Women's Health and Genetics/Laboratory Corporation of America, LabCorp
Classification: Uncertain significance. Last evaluated: 2026-01-02. Review status: criteria provided, single submitter. Criteria: LabCorp Variant Classification Summary - May 2015. Collection method: clinical testing. Allele origin: germline.
Comment: Variant summary: COL11A2 c.1557+5C>T alters a nucleotide located close to a canonical splice site and therefore could affect mRNA splicing, leading to a significantly altered protein sequence. Consensus agreement among computation tools predict no significant impact on normal splicing. However, these predictions have yet to be confirmed by functional studies. The variant allele was found at a frequency of 4.1e-06 in 244396 control chromosomes. The available data on variant occurrences in the general population are insufficient to allow any conclusion about variant significance. c.1557+5C>T has been observed in an individual affected with features of Otospondylomegaepiphyseal Dysplasia (Chen_2022). These data do not allow any conclusion about variant significance. To our knowledge, no experimental evidence demonstrating an impact on protein function has been reported. The following publication has been ascertained in the context of this evaluation (PMID: 35250876). ClinVar contains an entry for this variant (Variation ID: 228529). Based on the evidence outlined above, the variant was classified as uncertain significance.

Labcorp Genetics (formerly Invitae), Labcorp
Classification: Uncertain significance. Last evaluated: 2025-02-26. Review status: criteria provided, single submitter. Criteria: Invitae Variant Classification Sherloc (09022015). Collection method: clinical testing. Allele origin: germline.
Comment: This sequence change falls in intron 15 of the COL11A2 gene. It does not directly change the encoded amino acid sequence of the COL11A2 protein. It affects a nucleotide within the consensus splice site. This variant is present in population databases (rs771087374, gnomAD 0.006%). This variant has been observed in individual(s) with clinical features of COL11A2-related conditions (PMID: 35250876). ClinVar contains an entry for this variant (Variation ID: 228529). Variants that disrupt the consensus splice site are a relatively common cause of aberrant splicing (PMID: 17576681, 9536098). Algorithms developed to predict the effect of sequence changes on RNA splicing suggest that this variant is not likely to affect RNA splicing. In summary, the available evidence is currently insufficient to determine the role of this variant in disease. Therefore, it has been classified as a Variant of Uncertain Significance.

Laboratory for Molecular Medicine, Mass General Brigham Personalized Medicine
Classification: Uncertain significance. Last evaluated: 2015-06-10. Review status: criteria provided, single submitter. Criteria: LMM Criteria. Collection method: clinical testing. Allele origin: germline. Observed: 1 variant allele.
Comment: The c.1557+5C>T variant in COL11A2 has not been previously reported in individua ls with hearing loss, but has been identified in 1/7442 of East Asian chromosome s by the Exome Aggregation Consortium (ExAC). Th is variant is located in the 5' splice region. Computational tools do not sugges t an impact to splicing. However, this information is not predictive enough to r ule out pathogenicity. In summary, the clinical significance of the c.1557+5C>T variant is uncertain.

Literature cited by the submitters: PubMed 35250876 (cited by Women's Health and Genetics/Laboratory Corporation of America, LabCorp and Labcorp Genetics (formerly Invitae), Labcorp); PubMed 17576681 (cited by Labcorp Genetics (formerly Invitae), Labcorp); PubMed 9536098 (cited by Labcorp Genetics (formerly Invitae), Labcorp).